The following is an entry in ClinVar:

NM_012309.5(SHANK2):c.3004G>A (p.Val1002Ile)

Gene: SHANK2 (SH3 and multiple ankyrin repeat domains 2; minus strand). Cytogenetic location: 11q13.3.
Variant type: single nucleotide variant.
Coding change: c.3004G>A on transcript NM_012309.5 (MANE Select); coding-DNA position 3004, G replaced by A.
Protein change: p.Val1002Ile; replaces valine 1002 with isoleucine.
Molecular consequence: missense variant.
Genome position (GRCh38, 1-based): chr11:70,487,289, C>T on the plus strand (G>A on the coding strand, the complement: SHANK2 is on the minus strand). VCF-style: chr11-70487289-C-T. GRCh37 (hg19) VCF-style: chr11-70333394-C-T.
Other names: c.2953G>A, p.Val985Ile (NM_001441025.1, NM_001441026.1, NM_001441027.1 and 8 more transcripts); c.1210G>A, p.Val404Ile (NM_001441044.1); c.1189G>A, p.Val397Ile (NM_001441045.1); c.1162G>A, p.Val388Ile (NM_001441046.1); c.1108G>A, p.Val370Ile (NM_001441047.1); c.1240G>A, p.Val414Ile (NM_133266.5); c.1867G>A, p.Val623Ile (NM_001379226.1); c.3124G>A, p.Val1042Ile (NM_001441024.1); and 6 more; short protein forms V1002I, V1042I, V370I, V388I, V397I, V404I, V407I, V411I.
Identifiers: ClinVar variation 4533762 (VCV004533762.6).

ClinVar aggregate classification (germline): Likely benign (1 of 4 stars; one submission).

gnomAD v4.1: 23 of 1,614,060 alleles (0.0014%); highest among the groups gnomAD compares: Admixed American, 0.0033%; no homozygotes.

Submission:

CeGaT Center for Human Genetics Tuebingen
Classification: Likely benign. Last evaluated: 2025-10-01. Review status: criteria provided, single submitter. Criteria: CeGaT Center For Human Genetics Tuebingen Variant Classification Criteria Version 2. Collection method: clinical testing. Allele origin: germline. Affected: yes. Observed: 1 variant allele.
Comment: SHANK2: BP4